The following is an entry in ClinVar:

NM_004544.4(NDUFA10):c.890+7G>C

Gene: NDUFA10 (NADH:ubiquinone oxidoreductase subunit A10; minus strand). Cytogenetic location: 2q37.3.
Variant type: single nucleotide variant.
Coding change: c.890+7G>C on transcript NM_004544.4 (MANE Select); 7 bases into the intron after coding-DNA position 890, G replaced by C.
Molecular consequence: intron variant.
Genome position (GRCh38, 1-based): chr2:240,005,203, C>G on the plus strand (G>C on the coding strand, the complement: NDUFA10 is on the minus strand). VCF-style: chr2-240005203-C-G. GRCh37 (hg19) VCF-style: chr2-240944620-C-G.
Other names: c.890+7G>C (NM_001322020.2, NM_001322019.2, NM_004544.3).
Identifiers: ClinVar variation 1666262 (VCV001666262.10), dbSNP rs932076104, ClinGen allele CA68055340.

ClinVar aggregate classification (germline): Likely benign. Review status: criteria provided, single submitter (1 of 4 stars). 2 submissions from 2 submitters: Likely benign (1). 1 of the submissions does not count toward it. Last evaluated 2025-10-07.

Conditions:
NDUFA10-related disorder. Also called: NDUFA10-related condition.

Allele frequency attached by ClinVar (database versions not stated): gnomAD exomes 0.00002; gnomAD 0.00003 and 0.00004; TOPMed 0.00009.

Submissions (2):

Labcorp Genetics (formerly Invitae), Labcorp
Classification: Likely benign. Last evaluated: 2025-10-07. Review status: criteria provided, single submitter. Criteria: Invitae Variant Classification Sherloc (09022015). Collection method: clinical testing. Allele origin: germline.

PreventionGenetics, part of Exact Sciences
Classification: Likely benign for NDUFA10-related condition. Last evaluated: 2019-12-04. Review status: no assertion criteria provided. Collection method: clinical testing. Allele origin: germline. Not counted in ClinVar's aggregate classification.
Comment: This variant is classified as likely benign based on ACMG/AMP sequence variant interpretation guidelines (Richards et al. 2015 PMID: 25741868, with internal and published modifications).